The following is an entry in ClinVar:

NM_021927.3(GUF1):c.1241A>G (p.Asn414Ser)

Gene: GUF1 (GTP binding elongation factor GUF1; plus strand). Cytogenetic location: 4p12.
Variant type: single nucleotide variant.
Coding change: c.1241A>G on transcript NM_021927.3 (MANE Select); coding-DNA position 1241, A replaced by G.
Protein change: p.Asn414Ser; replaces asparagine 414 with serine.
Molecular consequence: missense variant.
Genome position (GRCh38, 1-based): chr4:44,689,881, A>G. VCF-style: chr4-44689881-A-G. GRCh37 (hg19) VCF-style: chr4-44691898-A-G.
Other names: c.269A>G, p.Asn90Ser (NM_001345867.2, NM_001345869.2); c.1241A>G, p.Asn414Ser (NM_001345868.2); short protein forms N90S, N414S.
Identifiers: ClinVar variation 1434656 (VCV001434656.8), dbSNP rs547468075, ClinGen allele CA356763352.

ClinVar aggregate classification (germline): Uncertain significance (1 of 4 stars; one submission).

Submission:

Labcorp Genetics (formerly Invitae), Labcorp
Classification: Uncertain significance. Last evaluated: 2025-05-22. Review status: criteria provided, single submitter. Criteria: Invitae Variant Classification Sherloc (09022015). Collection method: clinical testing. Allele origin: germline.
Comment: This sequence change replaces asparagine, which is neutral and polar, with serine, which is neutral and polar, at codon 414 of the GUF1 protein (p.Asn414Ser). This variant is not present in population databases (gnomAD no frequency). This missense change has been observed in individual(s) with developmental delay (PMID: 33057194). ClinVar contains an entry for this variant (Variation ID: 1434656). Invitae Evidence Modeling of protein sequence and biophysical properties (such as structural, functional, and spatial information, amino acid conservation, physicochemical variation, residue mobility, and thermodynamic stability) indicates that this missense variant is not expected to disrupt GUF1 protein function with a negative predictive value of 80%. In summary, the available evidence is currently insufficient to determine the role of this variant in disease. Therefore, it has been classified as a Variant of Uncertain Significance.

Literature cited by the submitters: PubMed 33057194.